The following is an entry in ClinVar:

ClinVar aggregate classification (germline): Uncertain significance (1 of 4 stars; one submission).

Conditions:
Curry-Hall syndrome (WAD). Also called: WEYERS ACRODENTAL DYSOSTOSIS. Identifiers: Orphanet 952, MedGen C0457013, MONDO:0008673, OMIM 193530.
Ellis-van Creveld syndrome (EVC). Also called: Chondroectodermal dysplasia; EVC-Related Ellis-van Creveld Syndrome; EVC2-Related Ellis-van Creveld Syndrome; MESOECTODERMAL DYSPLASIA. Identifiers: Orphanet 289, MedGen C0013903, MONDO:0009162, OMIM 225500.

Submission:

Labcorp Genetics (formerly Invitae), Labcorp
Classification: Uncertain significance for Curry-Hall syndrome; Ellis-van Creveld syndrome. Last evaluated: 2022-02-08. Review status: criteria provided, single submitter. Criteria: Invitae Variant Classification Sherloc (09022015). Collection method: clinical testing. Allele origin: germline.
Comment: In summary, the available evidence is currently insufficient to determine the role of this variant in disease. Therefore, it has been classified as a Variant of Uncertain Significance. Algorithms developed to predict the effect of missense changes on protein structure and function (SIFT, PolyPhen-2, Align-GVGD) all suggest that this variant is likely to be tolerated. This variant has not been reported in the literature in individuals affected with EVC2-related conditions. This variant is not present in population databases (gnomAD no frequency). This sequence change replaces threonine, which is neutral and polar, with isoleucine, which is neutral and non-polar, at codon 213 of the EVC2 protein (p.Thr213Ile).

NM_147127.5(EVC2):c.638C>T (p.Thr213Ile)

Gene: EVC2 (EvC ciliary complex subunit 2; minus strand). Cytogenetic location: 4p16.2.
Variant type: single nucleotide variant.
Coding change: c.638C>T on transcript NM_147127.5 (MANE Select); coding-DNA position 638, C replaced by T.
Protein change: p.Thr213Ile; replaces threonine 213 with isoleucine.
Molecular consequence: missense variant.
Genome position (GRCh38, 1-based): chr4:5,689,225, G>A on the plus strand (C>T on the coding strand, the complement: EVC2 is on the minus strand). VCF-style: chr4-5689225-G-A. GRCh37 (hg19) VCF-style: chr4-5690952-G-A.
Other names: c.398C>T, p.Thr133Ile (NM_001166136.2); short protein forms T133I, T213I.
Identifiers: ClinVar variation 1515224 (VCV001515224.9), dbSNP rs2151731712, ClinGen allele CA356148355.